The following is an entry in ClinVar:

NM_000321.3(RB1):c.2490-28T>G

Gene: RB1 (RB transcriptional corepressor 1; plus strand). Cytogenetic location: 13q14.2.
Variant type: single nucleotide variant.
Coding change: c.2490-28T>G on transcript NM_000321.3 (MANE Select); 28 bases into the intron before coding-DNA position 2490, T replaced by G.
Molecular consequence: intron variant.
Genome position (GRCh38, 1-based): chr13:48,473,332, T>G. VCF-style: chr13-48473332-T-G. GRCh37 (hg19) VCF-style: chr13-49047468-T-G.
Identifiers: ClinVar variation 1792058 (VCV001792058.2), dbSNP rs2138354487, ClinGen allele CA2580087715.
Genomic context (GRCh38, chr13:48,473,332, plus strand): 5'-ATAGTTCAGAATGATGTATTTATGCTCATCTCTGCAAAATTGTATATGGTTTTTTATTAC[T>G]AATTGGTATTTCATCTTAACTTGACAGAATCTTAGTATCAATTGGTGAATCATTCGGGGT-3'

ClinVar aggregate classification (germline): Likely pathogenic (1 of 4 stars; one submission).

Conditions:
Hereditary cancer-predisposing syndrome. Also called: Hereditary Cancer Syndrome; Hereditary neoplastic syndrome; Tumor predisposition; Neoplastic Syndromes, Hereditary. Identifiers: Orphanet 140162, MedGen C0027672, MeSH D009386, MONDO:0015356.

Submission:

Ambry Genetics
Classification: Likely pathogenic for Hereditary cancer-predisposing syndrome. Last evaluated: 2022-06-03. Review status: criteria provided, single submitter. Criteria: Ambry Variant Classification Scheme 2023. Collection method: clinical testing. Allele origin: germline.
Comment: The c.2490-28T>G intronic variant results from a T to G substitution 28 nucleotides upstream from coding exon 24 in the RB1 gene. This nucleotide position is well conserved in available vertebrate species. In silico splice site analysis predicts that this alteration will weaken the native splice acceptor site. Multiple other alterations impacting the same branch site (c.2490-26A>C, c.2490-26A>G, c.2490-26A>T and c.2490-28T>C) have been described to result in skipping of exon 24 and/or have been detected in cohorts of retinoblastoma patients (Soliman SE et al. Ophthalmology, 2016 12;123:2610-2617; Houdayer C et al. Hum Mutat, 2008 Jul;29:975-82; Zhang K et al. Hum Mutat, 2008 Apr;29:475-84). Preliminary RNA studies have demonstrated that this alteration results in abnormal splicing in the set of samples tested (Ambry internal data). Based on the majority of available evidence to date, this variant is likely to be pathogenic.

Literature cited by the submitters: PubMed 18181215; PubMed 18449911; PubMed 27712844.